The following is an entry in ClinVar:

ClinVar aggregate classification (germline): Uncertain significance (1 of 4 stars; one submission).

Allele frequency attached by ClinVar (database versions not stated): gnomAD exomes below 0.00001 and 0.00001.
gnomAD v4.1: 2 of 1,613,796 alleles (0.00012%); highest among the groups gnomAD compares: East Asian, 0.0045%; no homozygotes.

Submission:

Labcorp Genetics (formerly Invitae), Labcorp
Classification: Uncertain significance. Last evaluated: 2022-09-07. Review status: criteria provided, single submitter. Criteria: Invitae Variant Classification Sherloc (09022015). Collection method: clinical testing. Allele origin: germline.
Comment: This sequence change replaces proline, which is neutral and non-polar, with serine, which is neutral and polar, at codon 2205 of the CDH23 protein (p.Pro2205Ser). This variant is present in population databases (no rsID available, gnomAD 0.01%). This variant has not been reported in the literature in individuals affected with CDH23-related conditions. ClinVar contains an entry for this variant (Variation ID: 1420780). Algorithms developed to predict the effect of missense changes on protein structure and function are either unavailable or do not agree on the potential impact of this missense change (SIFT: "Deleterious"; PolyPhen-2: "Not Available"; Align-GVGD: "Class C65"). In summary, the available evidence is currently insufficient to determine the role of this variant in disease. Therefore, it has been classified as a Variant of Uncertain Significance.

NM_022124.6(CDH23):c.6613C>T (p.Pro2205Ser)

Gene: CDH23 (cadherin related 23; plus strand). Cytogenetic location: 10q22.1.
Variant type: single nucleotide variant.
Coding change: c.6613C>T on transcript NM_022124.6 (MANE Select); coding-DNA position 6613, C replaced by T.
Protein change: p.Pro2205Ser; replaces proline 2205 with serine.
Molecular consequence: missense variant.
Genome position (GRCh38, 1-based): chr10:71,793,541, C>T. VCF-style: chr10-71793541-C-T. GRCh37 (hg19) VCF-style: chr10-73553298-C-T.
Other names: short protein forms P2205S.
Identifiers: ClinVar variation 1420780 (VCV001420780.5), dbSNP rs1411016237, ClinGen allele CA377155426.